The following is an entry in ClinVar:

ClinVar aggregate classification (germline): Benign/Likely benign. Review status: criteria provided, multiple submitters, no conflicts (2 of 4 stars). 9 submissions from 9 submitters: Benign (5); Likely benign (4). Last evaluated 2026-07-01.

Conditions:
SLC19A3-related disorder. Also called: SLC19A3-related condition.
Biotin-responsive basal ganglia disease (BTBGD). Also called: Thiamine Transporter-2 Deficiency; Thiamine metabolism dysfunction syndrome 2 (biotin- or thiamine-responsive encephalopathy type 2); thiamine-responsive encephalopathy; THIAMINE METABOLISM DYSFUNCTION SYNDROME 2 (BIOTIN- AND THIAMINE-RESPONSIVE TYPE); Thiamine metabolism dysfunction syndrome type 2. Identifiers: Orphanet 199348, Orphanet 65284, MedGen C1843807, MONDO:0011841, OMIM 607483.

Allele frequency attached by ClinVar (database versions not stated): gnomAD exomes 0.00024 and 0.00057; ExAC 0.00076; 1000 Genomes Project 0.00180; 1000 Genomes Project 30x 0.00219; gnomAD 0.00241 and 0.00263; ESP Exome Variant Server 0.00246; TOPMed 0.00288.
gnomAD v4.1: 734 of 1,614,134 alleles (0.045%); highest among the groups gnomAD compares: African/African-American, 0.9%; 4 homozygotes.

Submissions (9):

CeGaT Center for Human Genetics Tuebingen
Classification: Likely benign. Last evaluated: 2026-07-01. Review status: criteria provided, single submitter. Criteria: CeGaT Center For Human Genetics Tuebingen Variant Classification Criteria Version 2. Collection method: clinical testing. Allele origin: germline. Affected: yes. Observed: 1 variant allele.
Comment: SLC19A3: BP4, BP7

Labcorp Genetics (formerly Invitae), Labcorp
Classification: Benign for Biotin-responsive basal ganglia disease. Last evaluated: 2026-01-25. Review status: criteria provided, single submitter. Criteria: Invitae Variant Classification Sherloc (09022015). Collection method: clinical testing. Allele origin: germline.

Mayo Clinic Laboratories, Mayo Clinic
Classification: Benign. Last evaluated: 2025-09-19. Review status: criteria provided, single submitter. Criteria: ACMG Guidelines, 2015. Collection method: clinical testing. Allele origin: germline. Observed: 6 variant alleles.
Comment: BA1, BP4, BP7

PreventionGenetics, part of Exact Sciences
Classification: Benign for SLC19A3-related condition. Last evaluated: 2024-10-03. Review status: criteria provided, single submitter. Criteria: ACMG Guidelines, 2015. Collection method: clinical testing. Allele origin: germline.
Comment: This variant is classified as benign based on ACMG/AMP sequence variant interpretation guidelines (Richards et al. 2015 PMID: 25741868, with internal and published modifications).

Athena Diagnostics
Classification: Benign. Last evaluated: 2019-03-05. Review status: criteria provided, single submitter. Criteria: Athena Diagnostics Criteria. Collection method: clinical testing. Allele origin: germline.

Illumina Laboratory Services, Illumina
Classification: Likely benign for Biotin-responsive basal ganglia disease. Last evaluated: 2018-01-12. Review status: criteria provided, single submitter. Criteria: ICSL Variant Classification Criteria 13 December 2019. Collection method: clinical testing. Allele origin: germline.
Comment: This variant was observed in the ICSL laboratory as part of a predisposition screen in an ostensibly healthy population. It had not been previously curated by ICSL or reported in the Human Gene Mutation Database (HGMD: prior to June 1st, 2018), and was therefore a candidate for classification through an automated scoring system. Utilizing variant allele frequency, disease prevalence and penetrance estimates, and inheritance mode, an automated score was calculated to assess if this variant is too frequent to cause the disease. Based on the score and internal cut-off values, a variant classified as likely benign is not then subjected to further curation. The score for this variant resulted in a classification of likely benign for this disease.

Eurofins Ntd Llc (ga)
Classification: Likely benign. Last evaluated: 2015-01-26. Review status: criteria provided, single submitter. Criteria: EGL Classification Definitions 2015. Collection method: clinical testing. Allele origin: germline. Observed: 1 variant allele, 1 heterozygote.

GeneDx
Classification: Benign. Last evaluated: 2014-08-12. Review status: criteria provided, single submitter. Criteria: GeneDx Variant Classification (06012015). Collection method: clinical testing. Allele origin: germline. Affected: yes.
Comment: This variant is considered likely benign or benign based on one or more of the following criteria: it is a conservative change, it occurs at a poorly conserved position in the protein, it is predicted to be benign by multiple in silico algorithms, and/or has population frequency not consistent with disease.

Breakthrough Genomics
Classification: Likely benign. Review status: criteria provided, single submitter. Criteria: ACMG Guidelines, 2015. Collection method: not provided. Allele origin: germline. Inheritance: Autosomal recessive inheritance. Affected: yes.

NM_025243.4(SLC19A3):c.546G>A (p.Val182=)

Gene: SLC19A3 (solute carrier family 19 member 3; minus strand). Cytogenetic location: 2q36.3.
Variant type: single nucleotide variant.
Coding change: c.546G>A on transcript NM_025243.4 (MANE Select); coding-DNA position 546, G replaced by A.
Protein change: p.Val182=; no amino-acid change (valine 182 retained).
Molecular consequence: synonymous variant.
Genome position (GRCh38, 1-based): chr2:227,699,169, C>T on the plus strand (G>A on the coding strand, the complement: SLC19A3 is on the minus strand). VCF-style: chr2-227699169-C-T. GRCh37 (hg19) VCF-style: chr2-228563885-C-T.
Other names: p.Val182=.
Identifiers: ClinVar variation 196528 (VCV000196528.24), dbSNP rs143188189, ClinGen allele CA302938.